The following is an entry in ClinVar:

ClinVar aggregate classification (germline): Uncertain significance (1 of 4 stars; one submission).

Conditions:
Pitt-Hopkins syndrome (PTHS). Also called: ENCEPHALOPATHY, SEVERE EPILEPTIC, WITH AUTONOMIC DYSFUNCTION; MENTAL RETARDATION, SYNDROMAL, WITH INTERMITTENT HYPERVENTILATION. Identifiers: Orphanet 2896, MedGen C1970431, MONDO:0012589, OMIM 610954.

gnomAD v4.1: 2 of 1,614,152 alleles (0.00012%); highest among the groups gnomAD compares: Non-Finnish European, 0.00017%; no homozygotes.

Submission:

Labcorp Genetics (formerly Invitae), Labcorp
Classification: Uncertain significance for Pitt-Hopkins syndrome. Last evaluated: 2019-02-14. Review status: criteria provided, single submitter. Criteria: Invitae Variant Classification Sherloc (09022015). Collection method: clinical testing. Allele origin: germline.
Comment: This sequence change replaces aspartic acid with asparagine at codon 537 of the TCF4 protein (p.Asp537Asn). The aspartic acid residue is moderately conserved and there is a small physicochemical difference between aspartic acid and asparagine. This variant is not present in population databases (ExAC no frequency). This variant has not been reported in the literature in individuals with TCF4-related conditions. Algorithms developed to predict the effect of missense changes on protein structure and function (SIFT, PolyPhen-2, Align-GVGD) all suggest that this variant is likely to be tolerated, but these predictions have not been confirmed by published functional studies and their clinical significance is uncertain. In summary, the available evidence is currently insufficient to determine the role of this variant in disease. Therefore, it has been classified as a Variant of Uncertain Significance.

NM_001083962.2(TCF4):c.1609G>A (p.Asp537Asn)

Gene: TCF4 (transcription factor 4; minus strand). Cytogenetic location: 18q21.2.
Variant type: single nucleotide variant.
Coding change: c.1609G>A on transcript NM_001083962.2 (MANE Select); coding-DNA position 1609, G replaced by A.
Protein change: p.Asp537Asn; replaces aspartic acid 537 with asparagine.
Molecular consequence: missense variant.
Genome position (GRCh38, 1-based): chr18:55,232,549, C>T on the plus strand (G>A on the coding strand, the complement: TCF4 is on the minus strand). VCF-style: chr18-55232549-C-T. GRCh37 (hg19) VCF-style: chr18-52899780-C-T.
Other names: c.1537G>A, p.Asp513Asn (NM_001243227.2, NM_001348217.1, NM_001348218.2 and 5 more transcripts); c.1627G>A, p.Asp543Asn (NM_001243228.2); c.1600G>A, p.Asp534Asn (NM_001243230.2); c.1483G>A, p.Asp495Asn (NM_001243231.2, NM_001348211.2); c.1396G>A, p.Asp466Asn (NM_001243232.1, NM_001306208.1); c.1219G>A, p.Asp407Asn (NM_001243233.2, NM_001330605.3, NM_001348212.2 and 1 more transcripts); c.1915G>A, p.Asp639Asn (NM_001243226.3); c.1129G>A, p.Asp377Asn (NM_001243234.2, NM_001348216.2, NM_001243235.2 and 1 more transcripts); and 6 more; short protein forms D376N, D512N, D537N, D321N, D534N, D639N, D466N, D513N.
Identifiers: ClinVar variation 858921 (VCV000858921.9), dbSNP rs2048187425, ClinGen allele CA402529908.